The following is an entry in ClinVar:

NM_182961.4(SYNE1):c.16472G>T (p.Gly5491Val)

Gene: SYNE1 (spectrin repeat containing nuclear envelope protein 1; minus strand). Cytogenetic location: 6q25.2.
Variant type: single nucleotide variant.
Coding change: c.16472G>T on transcript NM_182961.4 (MANE Select); coding-DNA position 16472, G replaced by T.
Protein change: p.Gly5491Val; replaces glycine 5491 with valine.
Molecular consequence: missense variant.
Genome position (GRCh38, 1-based): chr6:152,318,181, C>A on the plus strand (G>T on the coding strand, the complement: SYNE1 is on the minus strand). VCF-style: chr6-152318181-C-A. GRCh37 (hg19) VCF-style: chr6-152639316-C-A.
Other names: c.16259G>T, p.Gly5420Val (NM_033071.5); c.16259G>T (NM_033071.3); short protein forms G5491V, G5420V.
Identifiers: ClinVar variation 1040038 (VCV001040038.7), dbSNP rs530429418, ClinGen allele CA4055504.
Genomic context (GRCh38, chr6:152,318,181, plus strand): 5'-GTCTGCTGGTGAAGTTCAGTCAGTTTTCCTATCTTCTTGGCCAGTGGCTTACCCAGTTGG[C>A]CATTCTGTTCCAAGAATTTCTGTACTGCTGCATCTAATTCCATTAACTTTGAATTACAGC-3'
Protein context (NP_892006.3, residues 5481-5501): AAVQKFLEQN[Gly5491Val]QLGKPLAKKI

ClinVar aggregate classification (germline): Uncertain significance. Review status: criteria provided, multiple submitters, no conflicts (2 of 4 stars). 2 submissions from 2 submitters: Uncertain significance (2). Last evaluated 2025-03-20.

Conditions:
Emery-Dreifuss muscular dystrophy 4, autosomal dominant (EDMD4). Also called: EMERY-DREIFUSS MUSCULAR DYSTROPHY 4 WITH VARIABLE FEATURES. Identifiers: Orphanet 261, MedGen C2751807, MONDO:0013071, OMIM 612998.
Autosomal recessive ataxia, Beauce type. Also called: Spinocerebellar ataxia, autosomal recessive 8; ATAXIA, RECESSIVE, OF BEAUCE; SYNE1 Deficiency; SYNE1-Related Autosomal Recessive Cerebellar Ataxia. Identifiers: Orphanet 88644, MedGen C1853116, MONDO:0012549, OMIM 610743.

Allele frequency attached by ClinVar (database versions not stated): gnomAD below 0.00001 and 0.00002; TOPMed below 0.00001; gnomAD exomes 0.00006 and 0.00013; ExAC 0.00014; 1000 Genomes Project 0.00020; 1000 Genomes Project 30x 0.00031.
gnomAD v4.1: 96 of 1,614,110 alleles (0.0059%); highest among the groups gnomAD compares: South Asian, 0.089%; 2 homozygotes.

Submissions (2):

GeneDx
Classification: Uncertain significance. Last evaluated: 2025-03-20. Review status: criteria provided, single submitter. Criteria: GeneDx Variant Classification Process June 2021. Collection method: clinical testing. Allele origin: germline. Affected: yes.
Comment: In silico analysis indicates that this missense variant does not alter protein structure/function; Has not been previously published as pathogenic or benign to our knowledge

Labcorp Genetics (formerly Invitae), Labcorp
Classification: Uncertain significance for Emery-Dreifuss muscular dystrophy 4, autosomal dominant; Autosomal recessive ataxia, Beauce type. Last evaluated: 2022-06-02. Review status: criteria provided, single submitter. Criteria: Invitae Variant Classification Sherloc (09022015). Collection method: clinical testing. Allele origin: germline.
Comment: This sequence change replaces glycine, which is neutral and non-polar, with valine, which is neutral and non-polar, at codon 5420 of the SYNE1 protein (p.Gly5420Val). This variant is present in population databases (rs530429418, gnomAD 0.09%). This variant has not been reported in the literature in individuals affected with SYNE1-related conditions. ClinVar contains an entry for this variant (Variation ID: 1040038). Algorithms developed to predict the effect of missense changes on protein structure and function (SIFT, PolyPhen-2, Align-GVGD) all suggest that this variant is likely to be tolerated. In summary, the available evidence is currently insufficient to determine the role of this variant in disease. Therefore, it has been classified as a Variant of Uncertain Significance.